The following is an entry in ClinVar:

ClinVar aggregate classification (germline): Pathogenic (1 of 4 stars; one submission).

Conditions:
Joubert syndrome. Also called: CEREBELLOPARENCHYMAL DISORDER IV; JOUBERT-BOLTSHAUSER SYNDROME; Familial aplasia of the vermis. Identifiers: Orphanet 475, MedGen C5979921, MONDO:0018772.
Meckel-Gruber syndrome. Also called: DYSENCEPHALIA SPLANCHNOCYSTICA; GRUBER SYNDROME; Dysencephalia splachnocystica. Identifiers: Orphanet 564, MedGen C0265215, MONDO:0018921.

Submission:

Labcorp Genetics (formerly Invitae), Labcorp
Classification: Pathogenic for Joubert syndrome; Meckel-Gruber syndrome. Last evaluated: 2025-01-15. Review status: criteria provided, single submitter. Criteria: Invitae Variant Classification Sherloc (09022015). Collection method: clinical testing. Allele origin: germline.
Comment: This sequence change creates a premature translational stop signal (p.Ala953Leufs*7) in the TMEM67 gene. While this is not anticipated to result in nonsense mediated decay, it is expected to disrupt the last 43 amino acid(s) of the TMEM67 protein. This variant is present in population databases (no rsID available, gnomAD 0.0009%). This variant has not been reported in the literature in individuals affected with TMEM67-related conditions. Experimental studies and prediction algorithms are not available or were not evaluated, and the functional significance of this variant is currently unknown. This variant disrupts a region of the TMEM67 protein in which other variant(s) (p.Ala960Val) have been determined to be pathogenic (PMID: 28497568). This suggests that this is a clinically significant region of the protein, and that variants that disrupt it are likely to be disease-causing. For these reasons, this variant has been classified as Pathogenic.

Literature cited by the submitters: PubMed 28497568.

NM_153704.6(TMEM67):c.2857del (p.Ala953fs)

Gene: TMEM67 (transmembrane protein 67; plus strand). Cytogenetic location: 8q22.1.
Variant type: Deletion.
Coding change: c.2857del on transcript NM_153704.6 (MANE Select); coding-DNA position 2857, one base deleted (G; older notation c.2857delG).
Protein change: p.Ala953fs; shifts the reading frame from alanine 953.
Molecular consequence: frameshift variant. On other transcripts: non-coding transcript variant (1).
Genome position (GRCh38, 1-based): chr8:93,815,397, G deleted; the last of 2 consecutive G bases (chr8:93,815,396-93,815,397); deleting either gives the same sequence. VCF-style (leftmost placement, unchanged base first): chr8-93815395-TG-T. GRCh37 (hg19) VCF-style: chr8-94827623-TG-T.
Other names: c.2614del, p.Ala872fs (NM_001142301.1); short protein forms A872fs, A953fs.
Identifiers: ClinVar variation 3762353 (VCV003762353.2).